The following is an entry in ClinVar:

NM_001010867.4(IBA57):c.724C>T (p.Pro242Ser)

Gene: IBA57 (iron-sulfur cluster assembly factor IBA57; plus strand). Cytogenetic location: 1q42.13.
Variant type: single nucleotide variant.
Coding change: c.724C>T on transcript NM_001010867.4 (MANE Select); coding-DNA position 724, C replaced by T.
Protein change: p.Pro242Ser; replaces proline 242 with serine.
Molecular consequence: missense variant.
Genome position (GRCh38, 1-based): chr1:228,175,166, C>T. VCF-style: chr1-228175166-C-T. GRCh37 (hg19) VCF-style: chr1-228362867-C-T.
Other names: c.145C>T, p.Pro49Ser (NM_001310327.2); short protein forms P242S, P49S.
Identifiers: ClinVar variation 1687341 (VCV001687341.1), dbSNP rs923591178, ClinGen allele CA345114816.

ClinVar aggregate classification (germline): Uncertain significance (1 of 4 stars; one submission).

Conditions:
Multiple mitochondrial dysfunctions syndrome 3 (MMDS3). Identifiers: Orphanet 363424, MedGen C3809165, MONDO:0014132, OMIM 615330.

Submission:

3billion
Classification: Uncertain significance for Multiple mitochondrial dysfunctions syndrome 3. Last evaluated: 2022-05-22. Review status: criteria provided, single submitter. Criteria: ACMG Guidelines, 2015. Collection method: clinical testing. Allele origin: germline. Affected: yes. Observed: 1 homozygote.
Comment: The variant is not observed in the gnomAD v2.1.1 dataset. In silico tool predictions suggest damaging effect of the variant on gene or gene product (REVEL: 0.85; 3Cnet: 0.44). Therefore, this variant is classified as uncertain significanceaccording to the recommendation of ACMG/AMP guideline.